The following is an entry in ClinVar:

NM_025103.4(IFT74):c.1055-6T>A

Gene: IFT74 (intraflagellar transport 74; plus strand). Cytogenetic location: 9p21.2.
Variant type: single nucleotide variant.
Coding change: c.1055-6T>A on transcript NM_025103.4 (MANE Select); 6 bases into the intron before coding-DNA position 1055, T replaced by A.
Molecular consequence: intron variant.
Genome position (GRCh38, 1-based): chr9:27,044,736, T>A. VCF-style: chr9-27044736-T-A. GRCh37 (hg19) VCF-style: chr9-27044734-T-A.
Other names: c.1055-6T>A (NM_001099223.3, NM_001099222.3, NM_001349928.2).
Identifiers: ClinVar variation 4994992 (VCV004994992.1).

ClinVar aggregate classification (germline): Likely benign (1 of 4 stars; one submission).

Conditions:
IFT74-related disorder. Also called: IFT74-Related Disorders; IFT74-related condition.

Submission:

PreventionGenetics, part of Exact Sciences
Classification: Likely benign for IFT74-related condition. Last evaluated: 2026-09-25. Review status: criteria provided, single submitter. Criteria: ACMG Guidelines, 2015. Collection method: clinical testing. Allele origin: germline.
Comment: This variant is classified as likely benign based on ACMG/AMP sequence variant interpretation guidelines (Richards et al. 2015 PMID: 25741868, with internal and published modifications).